The following is an entry in ClinVar:

ClinVar aggregate classification (germline): Uncertain significance (1 of 4 stars; one submission).

Conditions:
Neuropathy, hereditary sensory and autonomic, type 2A (HSAN2A). Also called: ACROOSTEOLYSIS, GIACCAI TYPE; ACROOSTEOLYSIS, NEUROGENIC; MORVAN DISEASE; NEUROPATHY, CONGENITAL SENSORY; NEUROPATHY, HEREDITARY SENSORY RADICULAR, AUTOSOMAL RECESSIVE; NEUROPATHY, HEREDITARY SENSORY, TYPE IIA. Identifiers: Orphanet 970, MedGen C2752089, MONDO:0024309, OMIM 201300.
Pseudohypoaldosteronism type 2C (PHA2C). Also called: Pseudohypoaldosteronism Type IIC. Identifiers: Orphanet 757, Orphanet 88940, MedGen C1840391, MONDO:0013778, OMIM 614492.

Submission:

Labcorp Genetics (formerly Invitae), Labcorp
Classification: Uncertain significance for Neuropathy, hereditary sensory and autonomic, type 2A; Pseudohypoaldosteronism type 2C. Last evaluated: 2024-01-22. Review status: criteria provided, single submitter. Criteria: Invitae Variant Classification Sherloc (09022015). Collection method: clinical testing. Allele origin: germline.
Comment: This sequence change replaces glutamine, which is neutral and polar, with arginine, which is basic and polar, at codon 2191 of the WNK1 protein (p.Gln2191Arg). This variant is not present in population databases (gnomAD no frequency). This variant has not been reported in the literature in individuals affected with WNK1-related conditions. ClinVar contains an entry for this variant (Variation ID: 2046027). Advanced modeling of protein sequence and biophysical properties (such as structural, functional, and spatial information, amino acid conservation, physicochemical variation, residue mobility, and thermodynamic stability) performed at Invitae indicates that this missense variant is not expected to disrupt WNK1 protein function with a negative predictive value of 95%. In summary, the available evidence is currently insufficient to determine the role of this variant in disease. Therefore, it has been classified as a Variant of Uncertain Significance.

NM_018979.4(WNK1):c.5816A>G (p.Gln1939Arg)

Gene: WNK1 (WNK lysine deficient protein kinase 1; plus strand). Cytogenetic location: 12p13.33.
Variant type: single nucleotide variant.
Coding change: c.5816A>G on transcript NM_018979.4 (MANE Select); coding-DNA position 5816, A replaced by G.
Protein change: p.Gln1939Arg; replaces glutamine 1939 with arginine.
Molecular consequence: missense variant.
Genome position (GRCh38, 1-based): chr12:896,303, A>G. VCF-style: chr12-896303-A-G. GRCh37 (hg19) VCF-style: chr12-1005469-A-G.
Other names: c.6596A>G, p.Gln2199Arg (NM_001184985.2); c.5072A>G, p.Gln1691Arg (NM_014823.3); c.6572A>G, p.Gln2191Arg (NM_213655.5); short protein forms Q1691R, Q1939R, Q2191R, Q2199R.
Identifiers: ClinVar variation 2046027 (VCV002046027.4), dbSNP rs771412984, ClinGen allele CA383335331.